The following is an entry in ClinVar:

NM_000090.4(COL3A1):c.1524G>A (p.Glu508=)

Gene: COL3A1 (collagen type III alpha 1 chain; plus strand). Cytogenetic location: 2q32.2.
Variant type: single nucleotide variant.
Coding change: c.1524G>A on transcript NM_000090.4 (MANE Select); coding-DNA position 1524, G replaced by A.
Protein change: p.Glu508=; no amino-acid change (glutamic acid 508 retained).
Molecular consequence: synonymous variant.
Genome position (GRCh38, 1-based): chr2:188,995,706, G>A. VCF-style: chr2-188995706-G-A. GRCh37 (hg19) VCF-style: chr2-189860432-G-A.
Identifiers: ClinVar variation 507491 (VCV000507491.21), dbSNP rs761742677, ClinGen allele CA074445.

ClinVar aggregate classification (germline): Likely benign. Review status: criteria provided, multiple submitters, no conflicts (2 of 4 stars). 7 submissions from 7 submitters: Likely benign (7). Last evaluated 2026-04-15.

Conditions:
Familial thoracic aortic aneurysm and aortic dissection (TAAD). Also called: Thoracic aortic aneurysms and dissections. Identifiers: Orphanet 91387, MedGen C4707243, MONDO:0019625.
Ehlers-Danlos syndrome, type 4 (EDSVASC). Also called: Ehlers-Danlos syndrome vascular type; Ehlers Danlos syndrome, ecchymotic type; Ehlers Danlos syndrome, arterial type; Ehlers Danlos syndrome, Sack-Barabas type; Ehlers-Danlos Syndrome Type IV. Identifiers: Orphanet 286, MedGen C0268338, MONDO:0017314, OMIM 130050.

Allele frequency attached by ClinVar (database versions not stated): ExAC below 0.00001; gnomAD 0.00001; TOPMed 0.00002; gnomAD exomes 0.00004.
gnomAD v4.1: 55 of 1,557,094 alleles (0.0035%); highest among the groups gnomAD compares: Non-Finnish European, 0.0045%; no homozygotes.

Submissions (7):

Women's Health and Genetics/Laboratory Corporation of America, LabCorp
Classification: Likely benign. Last evaluated: 2026-04-15. Review status: criteria provided, single submitter. Criteria: LabCorp Variant Classification Summary - May 2015. Collection method: clinical testing. Allele origin: germline.

Labcorp Genetics (formerly Invitae), Labcorp
Classification: Likely benign for Ehlers-Danlos syndrome, type 4. Last evaluated: 2025-04-07. Review status: criteria provided, single submitter. Criteria: Invitae Variant Classification Sherloc (09022015). Collection method: clinical testing. Allele origin: germline.

All of Us Research Program, National Institutes of Health
Classification: Likely benign for Ehlers-Danlos syndrome, type 4. Last evaluated: 2023-08-15. Review status: criteria provided, single submitter. Criteria: ACMG Guidelines, 2015. Collection method: clinical testing. Allele origin: germline. Inheritance: Autosomal dominant inheritance. Observed: 3 variant alleles, 3 heterozygotes.
Comment: This study involves interpretation of variants in research participants for the purpose of population health screening. Participant phenotype was not available at the time of variant classification. Additional details can be found in publication PMID: 35346344, PMCID: PMC8962531

Ambry Genetics
Classification: Likely benign for Familial thoracic aortic aneurysm and aortic dissection. Last evaluated: 2023-06-11. Review status: criteria provided, single submitter. Criteria: Ambry Variant Classification Scheme 2023. Collection method: clinical testing. Allele origin: germline.

GeneDx
Classification: Likely benign. Last evaluated: 2020-10-20. Review status: criteria provided, single submitter. Criteria: GeneDx Variant Classification Process June 2021. Collection method: clinical testing. Allele origin: germline. Affected: yes.

Color Diagnostics, LLC DBA Color Health
Classification: Likely benign for Familial thoracic aortic aneurysm and aortic dissection. Last evaluated: 2018-10-30. Review status: criteria provided, single submitter. Criteria: ACMG Guidelines, 2015. Collection method: clinical testing. Allele origin: germline.

CHEO Genetics Diagnostic Laboratory, Children's Hospital of Eastern Ontario
Classification: Likely benign for Familial thoracic aortic aneurysm and aortic dissection. Last evaluated: 2017-11-08. Review status: criteria provided, single submitter. Criteria: ACMG Guidelines, 2015. Collection method: clinical testing. Allele origin: germline.